The following is an entry in ClinVar:

ClinVar aggregate classification (germline): Uncertain significance (1 of 4 stars; one submission).

Allele frequency attached by ClinVar (database versions not stated): gnomAD exomes below 0.00001 and 0.00001; ExAC 0.00002; gnomAD 0.00002 and 0.00003.
gnomAD v4.1: 23 of 1,438,264 alleles (0.0016%); highest among the groups gnomAD compares: African/African-American, 0.006%; no homozygotes.

Submission:

Labcorp Genetics (formerly Invitae), Labcorp
Classification: Uncertain significance. Last evaluated: 2022-06-20. Review status: criteria provided, single submitter. Criteria: Invitae Variant Classification Sherloc (09022015). Collection method: clinical testing. Allele origin: germline.
Comment: This sequence change replaces threonine, which is neutral and polar, with methionine, which is neutral and non-polar, at codon 668 of the ADAMTS10 protein (p.Thr668Met). This variant is present in population databases (rs782568976, gnomAD 0.008%). This variant has not been reported in the literature in individuals affected with ADAMTS10-related conditions. Algorithms developed to predict the effect of missense changes on protein structure and function are either unavailable or do not agree on the potential impact of this missense change (SIFT: "Deleterious"; PolyPhen-2: "Possibly Damaging"; Align-GVGD: "Class C15"). In summary, the available evidence is currently insufficient to determine the role of this variant in disease. Therefore, it has been classified as a Variant of Uncertain Significance.

NM_030957.4(ADAMTS10):c.2003C>T (p.Thr668Met)

Gene: ADAMTS10 (ADAM metallopeptidase with thrombospondin type 1 motif 10; minus strand). Cytogenetic location: 19p13.2.
Variant type: single nucleotide variant.
Coding change: c.2003C>T on transcript NM_030957.4 (MANE Select); coding-DNA position 2003, C replaced by T.
Protein change: p.Thr668Met; replaces threonine 668 with methionine.
Molecular consequence: missense variant.
Genome position (GRCh38, 1-based): chr19:8,589,483, G>A on the plus strand (C>T on the coding strand, the complement: ADAMTS10 is on the minus strand). VCF-style: chr19-8589483-G-A. GRCh37 (hg19) VCF-style: chr19-8654367-G-A.
Other names: c.464C>T, p.Thr155Met (NM_001282352.2); short protein forms T155M, T668M.
Identifiers: ClinVar variation 1494243 (VCV001494243.3), dbSNP rs782568976, ClinGen allele CA9160283.